The following is an entry in ClinVar:

ClinVar aggregate classification (germline): Pathogenic/Likely pathogenic. Review status: criteria provided, multiple submitters, no conflicts (2 of 4 stars). 3 submissions from 3 submitters: Pathogenic (1); Likely pathogenic (1). 1 of the submissions does not count toward it. Last evaluated 2025-05-22.

Conditions:
Morquio syndrome. Also called: Mucopolysaccharidosis, Type IV; MPS IV; Mucopolysaccharidosis type 4; Eccentrochondrodysplasia. Identifiers: Orphanet 582, MedGen C0026707, MONDO:0018938.
Mucopolysaccharidosis, MPS-IV-A (MPS4A). Also called: GALACTOSAMINE-6-SULFATASE DEFICIENCY; GALNS DEFICIENCY; MPS IVA; Mucopolysaccharidosis type IV A; Morquio syndrome A, mild; MORQUIO A DISEASE. Identifiers: Orphanet 309297, Orphanet 582, MedGen C0086651, MONDO:0009659, OMIM 253000.

Submissions (3):

Women's Health and Genetics/Laboratory Corporation of America, LabCorp
Classification: Pathogenic for Morquio syndrome. Last evaluated: 2025-05-22. Review status: criteria provided, single submitter. Criteria: LabCorp Variant Classification Summary - May 2015. Collection method: clinical testing. Allele origin: germline.
Comment: Variant summary: GALNS c.280C>G (p.Arg94Gly) results in a non-conservative amino acid change in the encoded protein sequence. Algorithms developed to predict the effect of missense changes on protein structure and function all suggest that this variant is likely to be disruptive. The variant was absent in 247782 control chromosomes. c.280C>G has been observed in individual(s) affected with Mucopolysaccharidosis Type IVA (Morquio Syndrome A) (examples: Tylki-Szymanska_1998, Ogawa_1995). These data indicate that the variant may be associated with disease. A different variant affecting the same codon has been classified as pathogenic by our lab (c.281G>T, p.Arg94Leu), supporting the critical relevance of codon 94 to GALNS protein function. At least one publication reports experimental evidence evaluating an impact on protein function. The most pronounced variant effect results in <10% of normal activity (Ogawa_1995). The following publications have been ascertained in the context of this evaluation (PMID: 7795586, 9660054). ClinVar contains an entry for this variant (Variation ID: 705). Based on the evidence outlined above, the variant was classified as pathogenic.

Laboratory of Diagnosis and Therapy of Lysosomal Disorders, University of Padova
Classification: Likely pathogenic for Mucopolysaccharidosis, MPS-IV-A. Last evaluated: 2021-02-01. Review status: criteria provided, single submitter. Criteria: ACMG Guidelines, 2015. Collection method: curation. Allele origin: germline. Affected: yes.
Comment: In vitro functional studies supportive of a damaging effect on the gene product (low to null in vitro enzymatic activity; PS3_supporting); the prevalence of the variant in affected individuals is significantly increased compared with the prevalence in controls (PS4_moderate); absent from gnomAD v2.1.1 (PM2_moderate); multiple lines of computational evidence support a deleterious effect on the gene (PP3_supporting)

OMIM
Classification: Pathogenic for MUCOPOLYSACCHARIDOSIS, TYPE IVA. Last evaluated: 1997-01-01. Review status: no assertion criteria provided. Collection method: literature only. Allele origin: germline. Not counted in ClinVar's aggregate classification.

Literature cited by the submitters: PubMed 7795586 (cited by Women's Health and Genetics/Laboratory Corporation of America, LabCorp and Laboratory of Diagnosis and Therapy of Lysosomal Disorders, University of Padova); PubMed 9660054 (cited by Women's Health and Genetics/Laboratory Corporation of America, LabCorp and Laboratory of Diagnosis and Therapy of Lysosomal Disorders, University of Padova); PubMed 15235041 (cited by Laboratory of Diagnosis and Therapy of Lysosomal Disorders, University of Padova); PubMed 16287098 (cited by Laboratory of Diagnosis and Therapy of Lysosomal Disorders, University of Padova); PubMed 29275451 (cited by Laboratory of Diagnosis and Therapy of Lysosomal Disorders, University of Padova); PubMed 30927141 (cited by Laboratory of Diagnosis and Therapy of Lysosomal Disorders, University of Padova); PubMed 9298823 (cited by Laboratory of Diagnosis and Therapy of Lysosomal Disorders, University of Padova and OMIM); PubMed 34387910 (cited by Laboratory of Diagnosis and Therapy of Lysosomal Disorders, University of Padova).

NM_000512.5(GALNS):c.280C>G (p.Arg94Gly)

Gene: GALNS (galactosamine (N-acetyl)-6-sulfatase; minus strand). Cytogenetic location: 16q24.3.
Variant type: single nucleotide variant.
Coding change: c.280C>G on transcript NM_000512.5 (MANE Select); coding-DNA position 280, C replaced by G.
Protein change: p.Arg94Gly; replaces arginine 94 with glycine.
Molecular consequence: missense variant. On other transcripts: 5 prime UTR variant (1).
Genome position (GRCh38, 1-based): chr16:88,841,936, G>C on the plus strand (C>G on the coding strand, the complement: GALNS is on the minus strand). VCF-style: chr16-88841936-G-C. GRCh37 (hg19) VCF-style: chr16-88908344-G-C.
Other names: c.-276C>G (NM_001323543.2); c.298C>G, p.Arg100Gly (NM_001323544.2); short protein forms R94G, R100G.
Identifiers: ClinVar variation 705 (VCV000000705.6), dbSNP rs118204441, ClinGen allele CA251568.
Genomic context (GRCh38, chr16:88,841,936, plus strand): 5'-TGGAGGCGGTGGGCAGCCTACCGTTTCTGGCATGGGCGTTGGTGGTGTAGAAGCCATTGC[G>C]GATGGGTAGCCGTCCTGTGAGCAGTGCCGCCCTCGCTATGTGGAGGTGACAGAAACAGAA-3'
Protein context (NP_000503.1, residues 84-104): AALLTGRLPI[Arg94Gly]NGFYTTNAHA